The following is an entry in ClinVar:

ClinVar aggregate classification (germline): Uncertain significance (1 of 4 stars; one submission).

Conditions:
Inborn genetic diseases. Identifiers: MedGen C0950123, MeSH D030342.

Submission:

Ambry Genetics
Classification: Uncertain significance for Inborn genetic diseases. Last evaluated: 2024-12-15. Review status: criteria provided, single submitter. Criteria: Ambry Variant Classification Scheme 2023. Collection method: clinical testing. Allele origin: germline.
Comment: The p.V1069G variant (also known as c.3206T>G), located in coding exon 13 of the ASXL1 gene, results from a T to G substitution at nucleotide position 3206. The valine at codon 1069 is replaced by glycine, an amino acid with dissimilar properties. This amino acid position is conserved. In addition, the in silico prediction for this alteration is inconclusive. Based on the available evidence, the clinical significance of this variant remains unclear.

NM_015338.6(ASXL1):c.3206T>G (p.Val1069Gly)

Gene: ASXL1 (ASXL transcriptional regulator 1; plus strand). Cytogenetic location: 20q11.21.
Variant type: single nucleotide variant.
Coding change: c.3206T>G on transcript NM_015338.6 (MANE Select); coding-DNA position 3206, T replaced by G.
Protein change: p.Val1069Gly; replaces valine 1069 with glycine.
Molecular consequence: missense variant.
Genome position (GRCh38, 1-based): chr20:32,435,918, T>G. VCF-style: chr20-32435918-T-G. GRCh37 (hg19) VCF-style: chr20-31023721-T-G.
Other names: c.3023T>G, p.Val1008Gly (NM_001363734.1); short protein forms V1069G, V1008G.
Identifiers: ClinVar variation 3791301 (VCV003791301.1).